The following is an entry in ClinVar:

ClinVar aggregate classification (germline): Uncertain significance (1 of 4 stars; one submission).

Conditions:
LAMA2-related muscular dystrophy (LAMA2-RD). Also called: Laminin alpha 2-related dystrophy. Identifiers: MedGen C5679788, MONDO:0100228.

Allele frequency attached by ClinVar (database versions not stated): gnomAD exomes below 0.00001.
gnomAD v4.1: 1 of 1,613,626 alleles (0.000062%); highest among the groups gnomAD compares: Non-Finnish European, 0.000085%; no homozygotes.

Submission:

Labcorp Genetics (formerly Invitae), Labcorp
Classification: Uncertain significance for LAMA2-related muscular dystrophy. Last evaluated: 2022-09-06. Review status: criteria provided, single submitter. Criteria: Invitae Variant Classification Sherloc (09022015). Collection method: clinical testing. Allele origin: germline.
Comment: In summary, the available evidence is currently insufficient to determine the role of this variant in disease. Therefore, it has been classified as a Variant of Uncertain Significance. Advanced modeling of protein sequence and biophysical properties (such as structural, functional, and spatial information, amino acid conservation, physicochemical variation, residue mobility, and thermodynamic stability) performed at Invitae indicates that this missense variant is not expected to disrupt LAMA2 protein function. This variant has not been reported in the literature in individuals affected with LAMA2-related conditions. ClinVar contains an entry for this variant (Variation ID: 1385047). This variant is not present in population databases (gnomAD no frequency). This sequence change replaces glutamic acid, which is acidic and polar, with valine, which is neutral and non-polar, at codon 1741 of the LAMA2 protein (p.Glu1741Val).

NM_000426.4(LAMA2):c.5222A>T (p.Glu1741Val)

Gene: LAMA2 (laminin subunit alpha 2; plus strand). Cytogenetic location: 6q22.33.
Variant type: single nucleotide variant.
Coding change: c.5222A>T on transcript NM_000426.4 (MANE Select); coding-DNA position 5222, A replaced by T.
Protein change: p.Glu1741Val; replaces glutamic acid 1741 with valine.
Molecular consequence: missense variant.
Genome position (GRCh38, 1-based): chr6:129,391,641, A>T. VCF-style: chr6-129391641-A-T. GRCh37 (hg19) VCF-style: chr6-129712786-A-T.
Other names: c.5222A>T, p.Glu1741Val (NM_001079823.2); short protein forms E1741V.
Identifiers: ClinVar variation 1385047 (VCV001385047.6), dbSNP rs2114672087, ClinGen allele CA365614385.